The following is an entry in ClinVar:

NM_005751.5(AKAP9):c.3155A>G (p.Asp1052Gly)

Gene: AKAP9 (A-kinase anchoring protein 9; plus strand). Cytogenetic location: 7q21.2.
Variant type: single nucleotide variant.
Coding change: c.3155A>G on transcript NM_005751.5 (MANE Select); coding-DNA position 3155, A replaced by G.
Protein change: p.Asp1052Gly; replaces aspartic acid 1052 with glycine.
Molecular consequence: missense variant.
Genome position (GRCh38, 1-based): chr7:92,003,072, A>G. VCF-style: chr7-92003072-A-G. GRCh37 (hg19) VCF-style: chr7-91632386-A-G.
Other names: c.3155A>G, p.Asp1052Gly (NM_147185.3); short protein forms D1052G.
Identifiers: ClinVar variation 526945 (VCV000526945.1), dbSNP rs779035246, ClinGen allele CA4336247.

ClinVar aggregate classification (germline): Uncertain significance (1 of 4 stars; one submission).

Conditions:
Long QT syndrome (LQTS). Identifiers: MedGen C0023976, MeSH D008133, MONDO:0002442. Disease mechanism: loss of function. Inheritance: Various modes of inheritance.

Allele frequency attached by ClinVar (database versions not stated): gnomAD exomes below 0.00001; ExAC 0.00001.
gnomAD v4.1: 1 of 1,613,022 alleles (0.000062%); highest among the groups gnomAD compares: South Asian, 0.0011%; no homozygotes.

Submission:

Labcorp Genetics (formerly Invitae), Labcorp
Classification: Uncertain significance for Long QT syndrome. Last evaluated: 2017-12-07. Review status: criteria provided, single submitter. Criteria: Invitae Variant Classification Sherloc (09022015). Collection method: clinical testing. Allele origin: germline.
Comment: This sequence change replaces aspartic acid with glycine at codon 1052 of the AKAP9 protein (p.Asp1052Gly). The aspartic acid residue is moderately conserved and there is a moderate physicochemical difference between aspartic acid and glycine. This variant is present in population databases (rs779035246, ExAC 0.006%). This variant has not been reported in the literature in individuals with AKAP9-related disease. Algorithms developed to predict the effect of missense changes on protein structure and function output the following: SIFT: "Tolerated"; PolyPhen-2: "Benign"; Align-GVGD: "Class C0". The glycine amino acid residue is found in multiple mammalian species, suggesting that this missense change does not adversely affect protein function. These predictions have not been confirmed by published functional studies and their clinical significance is uncertain. Algorithms developed to predict the effect of sequence changes on RNA splicing suggest that this variant may create or strengthen a splice site, but this prediction has not been confirmed by published transcriptional studies. In summary, the available evidence is currently insufficient to determine the role of this variant in disease. Therefore, it has been classified as a Variant of Uncertain Significance.